The following is an entry in ClinVar:

NM_001267550.2(TTN):c.102790C>T (p.Leu34264Phe)

Genes: TTN (titin; minus strand), TTN-AS1 (TTN antisense RNA 1; plus strand). Cytogenetic location: 2q31.2.
Variant type: single nucleotide variant.
Coding change: c.102790C>T on transcript NM_001267550.2 (MANE Select); coding-DNA position 102790, C replaced by T.
Protein change: p.Leu34264Phe; replaces leucine 34264 with phenylalanine.
Molecular consequence: missense variant.
Genome position (GRCh38, 1-based): chr2:178,533,825, G>A on the plus strand (C>T on the coding strand, the complement: TTN is on the minus strand). VCF-style: chr2-178533825-G-A. GRCh37 (hg19) VCF-style: chr2-179398552-G-A.
Other names: c.97867C>T, p.Leu32623Phe (NM_001256850.1); c.75595C>T, p.Leu25199Phe (NM_003319.4); c.95086C>T, p.Leu31696Phe (NM_133378.4); c.75970C>T, p.Leu25324Phe (NM_133432.3); c.76171C>T, p.Leu25391Phe (NM_133437.4); short protein forms L31696F, L32623F, L25324F, L34264F, L25199F, L25391F.
Identifiers: ClinVar variation 894176 (VCV000894176.12), dbSNP rs773984912, ClinGen allele CA1985705.
Genomic context (GRCh38, chr2:178,533,825, plus strand): 5'-GGACAGTTATAGTTACTCCAAACCGGACATTTTCACCTACATAAGCTGTCTTATTATAGA[G>A]AGGCAGGGTAAATTCTGGTGGCCTTTCCAGGAGTCTCATTGTGTCTGTTCTGCGCTTAAT-3'
Protein context (NP_001254479.2, residues 34254-34274): LERPPEFTLP[Leu34264Phe]YNKTAYVGEN

ClinVar aggregate classification (germline): Conflicting classifications of pathogenicity. Review status: criteria provided, conflicting classifications (1 of 4 stars). 10 submissions from 6 submitters: Uncertain significance (5); Benign (1); Likely benign (2). 2 of the submissions do not count toward it. Last evaluated 2022-08-22.

Conditions:
Autosomal recessive limb-girdle muscular dystrophy type 2J (LGMDR10). Also called: Limb-girdle muscular dystrophy, type 2J; MUSCULAR DYSTROPHY, LIMB-GIRDLE, AUTOSOMAL RECESSIVE 10. Identifiers: Orphanet 140922, MedGen C1837342, MONDO:0012127, OMIM 608807.
Dilated cardiomyopathy 1G (CMD1G). Identifiers: Orphanet 154, MedGen C1858763, MONDO:0011400, OMIM 604145.
Cardiomyopathy (CMYO). Also called: Cardiomyopathies. Identifiers: Orphanet 167848, MedGen C0878544, MONDO:0004994, HP:0001638. Inheritance: Various modes of inheritance.
Early-onset myopathy with fatal cardiomyopathy (CMYO5). Also called: CONGENITAL MYOPATHY 5 WITH CARDIOMYOPATHY; Salih Myopathy. Identifiers: Orphanet 289377, MedGen C2673677, MONDO:0012714, OMIM 611705. Disease mechanism: loss of function.
Myopathy, myofibrillar, 9, with early respiratory failure (MFM9). Also called: EDSTROM MYOPATHY; MYOPATHY, PROXIMAL, WITH EARLY RESPIRATORY MUSCLE INVOLVEMENT; Myopathy, distal, with early respiratory failure, autosomal dominant; Hereditary myopathy with early respiratory failure. Identifiers: Orphanet 178464, Orphanet 34521, MedGen C1863599, MONDO:0011362, OMIM 603689.
Tibial muscular dystrophy (TMD). Also called: Tibial muscular dystrophy, tardive; UDD MYOPATHY; Udd Distal Myopathy – Tibial Muscular Dystrophy. Identifiers: Orphanet 609, MedGen C1838244, MONDO:0010870, OMIM 600334.

Allele frequency attached by ClinVar (database versions not stated): TOPMed 0.00001; ExAC 0.00002; gnomAD exomes 0.00003.
gnomAD v4.1: 27 of 1,613,950 alleles (0.0017%); highest among the groups gnomAD compares: Non-Finnish European, 0.0021%; no homozygotes.

Submissions (10):

Labcorp Genetics (formerly Invitae), Labcorp
Classification: Uncertain significance for Dilated cardiomyopathy 1G; Autosomal recessive limb-girdle muscular dystrophy type 2J. Last evaluated: 2022-08-22. Review status: criteria provided, single submitter. Criteria: Invitae Variant Classification Sherloc (09022015). Collection method: clinical testing. Allele origin: germline.
Comment: This sequence change replaces leucine, which is neutral and non-polar, with phenylalanine, which is neutral and non-polar, at codon 34264 of the TTN protein (p.Leu34264Phe). This variant is present in population databases (rs773984912, gnomAD 0.006%). This variant has not been reported in the literature in individuals affected with TTN-related conditions. ClinVar contains an entry for this variant (Variation ID: 894176). Experimental studies and prediction algorithms are not available or were not evaluated, and the functional significance of this variant is currently unknown. This variant is located in the M band of TTN (PMID: 25589632). Variants in this region may be relevant for neuromuscular disorders, but have not been definitively shown to cause cardiomyopathy (PMID: 23975875). In summary, the available evidence is currently insufficient to determine the role of this variant in disease. Therefore, it has been classified as a Variant of Uncertain Significance.

GeneDx
Classification: Likely benign. Last evaluated: 2021-05-14. Review status: criteria provided, single submitter. Criteria: GeneDx Variant Classification Process June 2021. Collection method: clinical testing. Allele origin: germline. Affected: yes.

CHEO Genetics Diagnostic Laboratory, Children's Hospital of Eastern Ontario
Classification: Uncertain significance for Cardiomyopathy. Last evaluated: 2018-10-16. Review status: criteria provided, single submitter. Criteria: ACMG Guidelines, 2015. Collection method: clinical testing. Allele origin: germline.

Illumina Laboratory Services, Illumina
Classification: Uncertain significance for Dilated cardiomyopathy 1G. Last evaluated: 2018-01-13. Review status: criteria provided, single submitter. Criteria: ICSL Variant Classification Criteria 13 December 2019. Collection method: clinical testing. Allele origin: germline.

Illumina Laboratory Services, Illumina
Classification: Benign for Tibial muscular dystrophy. Last evaluated: 2018-01-13. Review status: criteria provided, single submitter. Criteria: ICSL Variant Classification Criteria 13 December 2019. Collection method: clinical testing. Allele origin: germline.
Comment: This variant was observed in the ICSL laboratory as part of a predisposition screen in an ostensibly healthy population. It had not been previously curated by ICSL or reported in the Human Gene Mutation Database (HGMD: prior to June 1st, 2018), and was therefore a candidate for classification through an automated scoring system. Utilizing variant allele frequency, disease prevalence and penetrance estimates, and inheritance mode, an automated score was calculated to assess if this variant is too frequent to cause the disease. Based on the score and internal cut-off values, a variant classified as benign is not then subjected to further curation. The score for this variant resulted in a classification of benign for this disease.

Illumina Laboratory Services, Illumina
Classification: Likely benign for Myopathy, myofibrillar, 9, with early respiratory failure. Last evaluated: 2018-01-13. Review status: criteria provided, single submitter. Criteria: ICSL Variant Classification Criteria 13 December 2019. Collection method: clinical testing. Allele origin: germline.
Comment: This variant was observed in the ICSL laboratory as part of a predisposition screen in an ostensibly healthy population. It had not been previously curated by ICSL or reported in the Human Gene Mutation Database (HGMD: prior to June 1st, 2018), and was therefore a candidate for classification through an automated scoring system. Utilizing variant allele frequency, disease prevalence and penetrance estimates, and inheritance mode, an automated score was calculated to assess if this variant is too frequent to cause the disease. Based on the score and internal cut-off values, a variant classified as likely benign is not then subjected to further curation. The score for this variant resulted in a classification of likely benign for this disease.

Illumina Laboratory Services, Illumina
Classification: Uncertain significance for Early-onset myopathy with fatal cardiomyopathy. Last evaluated: 2018-01-13. Review status: criteria provided, single submitter. Criteria: ICSL Variant Classification Criteria 13 December 2019. Collection method: clinical testing. Allele origin: germline.

Illumina Laboratory Services, Illumina
Classification: Uncertain significance for Autosomal recessive limb-girdle muscular dystrophy type 2J. Last evaluated: 2018-01-13. Review status: criteria provided, single submitter. Criteria: ICSL Variant Classification Criteria 13 December 2019. Collection method: clinical testing. Allele origin: germline.

Clinical Genetics DNA and cytogenetics Diagnostics Lab, Erasmus MC, Erasmus Medical Center
Classification: Uncertain significance. Review status: no assertion criteria provided. Collection method: clinical testing. Allele origin: germline. Affected: yes. Study: VKGL Data-share Consensus. Not counted in ClinVar's aggregate classification.

Joint Genome Diagnostic Labs from Nijmegen and Maastricht, Radboudumc and MUMC+
Classification: Uncertain significance. Review status: no assertion criteria provided. Collection method: clinical testing. Allele origin: germline. Affected: yes. Study: VKGL Data-share Consensus. Not counted in ClinVar's aggregate classification.

Literature cited by the submitters: PubMed 25589632 (cited by Labcorp Genetics (formerly Invitae), Labcorp); PubMed 23975875 (cited by Labcorp Genetics (formerly Invitae), Labcorp).